The following is an entry in ClinVar:

ClinVar aggregate classification (germline): Uncertain significance (1 of 4 stars; one submission).

Conditions:
Intellectual developmental disorder, X-linked, syndromic, Turner type. Also called: X-linked intellectual disability, Turner type; Intellectual disability, X-linked syndromic, Turner type. Identifiers: Orphanet 3056, Orphanet 85328, MedGen C2678046, MONDO:0010407, OMIM 309590.

Submission:

Department of Biochemistry, Faculty of Medicine, University of Khartoum
Classification: Uncertain significance for Intellectual developmental disorder, X-linked, syndromic, Turner type. Last evaluated: 2021-03-25. Review status: criteria provided, single submitter. Criteria: ACMG Guidelines, 2015. Collection method: research. Allele origin: de novo. Inheritance: Sporadic. Affected: yes. Observed: 2 hemizygotes.
Comment: Using whole-exome sequencing and Sanger sequencing we detected the variant NM_031407.5(HUWE1):c.12639G>A (p.Met4213Ile) in two males from unrelated families and different genetic backgrounds manifesting a phenotype reminiscent of Mental retardation, X-linked syndromic, Turner type. The variant was not detected in their mothers or siblings; however, we did not have paternal DNA. It was predicted pathogenic by several in silico tools and was absent in the gnomAD v2.1.1 database. This variant affected a conserved amino-acid in vertebrates inside the HECT domain of the protein. Although we believe this is a pathogenic variant, it fits the ACMG 2015 criteria for variants of uncertain significance. Functional evidence or identifying more patients (probably one independent patient) harboring this variant are necessary to determine its pathogenicity and increase its ACMG 2015 pathogenicity classification to pathogenic/likely pathogenic.

NM_031407.7(HUWE1):c.12639G>A (p.Met4213Ile)

Gene: HUWE1 (HECT, UBA and WWE domain containing E3 ubiquitin protein ligase 1; minus strand). Cytogenetic location: Xp11.22.
Variant type: single nucleotide variant.
Coding change: c.12639G>A on transcript NM_031407.7 (MANE Select); coding-DNA position 12639, G replaced by A.
Protein change: p.Met4213Ile; replaces methionine 4213 with isoleucine.
Molecular consequence: missense variant.
Genome position (GRCh38, 1-based): chrX:53,535,394, C>T on the plus strand (G>A on the coding strand, the complement: HUWE1 is on the minus strand). VCF-style: chrX-53535394-C-T. GRCh37 (hg19) VCF-style: chrX-53562355-C-T.
Other names: short protein forms M4213I.
Identifiers: ClinVar variation 1048095 (VCV001048095.2), dbSNP rs2060994971, ClinGen allele CA413147524.